The following is an entry in ClinVar:

NM_005035.4(POLRMT):c.751G>T (p.Gly251Cys)

Gene: POLRMT (RNA polymerase mitochondrial; minus strand). Cytogenetic location: 19p13.3.
Variant type: single nucleotide variant.
Coding change: c.751G>T on transcript NM_005035.4 (MANE Select); coding-DNA position 751, G replaced by T.
Protein change: p.Gly251Cys; replaces glycine 251 with cysteine.
Molecular consequence: missense variant. On other transcripts: non-coding transcript variant (1).
Genome position (GRCh38, 1-based): chr19:629,611, C>A on the plus strand (G>T on the coding strand, the complement: POLRMT is on the minus strand). VCF-style: chr19-629611-C-A. GRCh37 (hg19) VCF-style: chr19-629611-C-A.
Other names: c.751G>T, p.Gly251Cys (NM_001407805.1, NM_001407806.1, NM_001407807.1 and 12 more transcripts); c.427G>T, p.Gly143Cys (NM_001407831.1, NM_001407833.1, NM_001407834.1 and 2 more transcripts); short protein forms G143C, G251C.
Identifiers: ClinVar variation 2591071 (VCV002591071.3), dbSNP rs761922502, ClinGen allele CA9020645.
Genomic context (GRCh38, chr19:629,611, plus strand): 5'-AGCCAAGCATCACGGCGTTGTACATGTCCAGCGTGAGCAGCTTCCGCTTCTGCCGCTGGC[C>A]GTGGTGGACGACCAGCAGGTGGTGGGCGAGGGGCAGCTGGTCAGTGAGCAGGCAGCACTT-3'
Protein context (NP_005026.3, residues 241-261): LAHHLLVVHH[Gly251Cys]QRQKRKLLTL

ClinVar aggregate classification (germline): Uncertain significance. Review status: criteria provided, single submitter (1 of 4 stars). 2 submissions from 2 submitters: Uncertain significance (1). 1 of the submissions does not count toward it. Last evaluated 2023-08-21.

Conditions:
POLRMT-related disorder. Also called: POLRMT-related condition.

Submissions (2):

Ambry Genetics
Classification: Uncertain significance. Last evaluated: 2023-08-21. Review status: criteria provided, single submitter. Criteria: Ambry Variant Classification Scheme 2023. Collection method: clinical testing. Allele origin: germline.

PreventionGenetics, part of Exact Sciences
Classification: Uncertain significance for POLRMT-related condition. Last evaluated: 2024-05-10. Review status: no assertion criteria provided. Collection method: clinical testing. Allele origin: germline. Not counted in ClinVar's aggregate classification.
Comment: The POLRMT c.751G>T variant is predicted to result in the amino acid substitution p.Gly251Cys. To our knowledge, this variant has not been reported in the literature. This variant is reported in 0.0030% of alleles in individuals of Latino descent in gnomAD. At this time, the clinical significance of this variant is uncertain due to the absence of conclusive functional and genetic evidence.